The following is an entry in ClinVar:

NM_001191061.2(SLC25A22):c.430C>G (p.Leu144Val)

Gene: SLC25A22 (solute carrier family 25 member 22; minus strand). Cytogenetic location: 11p15.5.
Variant type: single nucleotide variant.
Coding change: c.430C>G on transcript NM_001191061.2 (MANE Select); coding-DNA position 430, C replaced by G.
Protein change: p.Leu144Val; replaces leucine 144 with valine.
Molecular consequence: missense variant.
Genome position (GRCh38, 1-based): chr11:792,710, G>C on the plus strand (C>G on the coding strand, the complement: SLC25A22 is on the minus strand). VCF-style: chr11-792710-G-C. GRCh37 (hg19) VCF-style: chr11-792710-G-C.
Other names: c.430C>G, p.Leu144Val (NM_001191060.2, NM_024698.6); short protein forms L144V.
Identifiers: ClinVar variation 2092765 (VCV002092765.4), dbSNP rs2495003042, ClinGen allele CA378970190.

ClinVar aggregate classification (germline): Uncertain significance (1 of 4 stars; one submission).

Conditions:
Early-infantile DEE. Also called: Ohtahara syndrome; Early infantile epileptic encephalopathy with suppression bursts; Early infantile epileptic encephalopathy. Identifiers: Orphanet 1934, MedGen C0393706, MONDO:0800491.

Submission:

Labcorp Genetics (formerly Invitae), Labcorp
Classification: Uncertain significance for Early-infantile DEE. Last evaluated: 2022-05-04. Review status: criteria provided, single submitter. Criteria: Invitae Variant Classification Sherloc (09022015). Collection method: clinical testing. Allele origin: germline.
Comment: In summary, the available evidence is currently insufficient to determine the role of this variant in disease. Therefore, it has been classified as a Variant of Uncertain Significance. Algorithms developed to predict the effect of missense changes on protein structure and function are either unavailable or do not agree on the potential impact of this missense change (SIFT: "Deleterious"; PolyPhen-2: "Benign"; Align-GVGD: "Class C0"). This variant has not been reported in the literature in individuals affected with SLC25A22-related conditions. This variant is not present in population databases (gnomAD no frequency). This sequence change replaces leucine, which is neutral and non-polar, with valine, which is neutral and non-polar, at codon 144 of the SLC25A22 protein (p.Leu144Val).